The following is an entry in ClinVar:

ClinVar aggregate classification (germline): Uncertain significance (1 of 4 stars; one submission).

Allele frequency attached by ClinVar (database versions not stated): gnomAD exomes below 0.00001.
gnomAD v4.1: 1 of 1,208,701 alleles (0.000083%); highest among the groups gnomAD compares: Non-Finnish European, 0.00011%; no homozygotes.

Submission:

GeneDx
Classification: Uncertain significance. Last evaluated: 2023-03-02. Review status: criteria provided, single submitter. Criteria: GeneDx Variant Classification Process June 2021. Collection method: clinical testing. Allele origin: germline. Affected: yes.
Comment: Not observed at significant frequency in large population cohorts (gnomAD); In silico analysis supports that this missense variant does not alter protein structure/function; Has not been previously published as pathogenic or benign to our knowledge

NM_020922.5(WNK3):c.4129A>G (p.Lys1377Glu)

Gene: WNK3 (WNK lysine deficient protein kinase 3; minus strand). Cytogenetic location: Xp11.22.
Variant type: single nucleotide variant.
Coding change: c.4129A>G on transcript NM_020922.5 (MANE Select); coding-DNA position 4129, A replaced by G.
Protein change: p.Lys1377Glu; replaces lysine 1377 with glutamic acid.
Molecular consequence: missense variant.
Genome position (GRCh38, 1-based): chrX:54,237,437, T>C on the plus strand (A>G on the coding strand, the complement: WNK3 is on the minus strand). VCF-style: chrX-54237437-T-C. GRCh37 (hg19) VCF-style: chrX-54263870-T-C.
Other names: c.3988A>G, p.Lys1330Glu (NM_001002838.4, NM_001395166.1); short protein forms K1330E, K1377E.
Identifiers: ClinVar variation 2578061 (VCV002578061.1), dbSNP rs2520317432, ClinGen allele CA413343266.